The following is an entry in ClinVar:

NM_032043.3(BRIP1):c.2493-1G>A

Gene: BRIP1 (BRCA1 interacting DNA helicase 1; minus strand). Cytogenetic location: 17q23.2.
Variant type: single nucleotide variant.
Coding change: c.2493-1G>A on transcript NM_032043.3 (MANE Select); the canonical splice acceptor site of the intron before coding-DNA position 2493, G replaced by A.
Molecular consequence: splice acceptor variant.
Genome position (GRCh38, 1-based): chr17:61,693,513, C>T on the plus strand (G>A on the coding strand, the complement: BRIP1 is on the minus strand). VCF-style: chr17-61693513-C-T. GRCh37 (hg19) VCF-style: chr17-59770874-C-T.
Identifiers: ClinVar variation 418096 (VCV000418096.17), dbSNP rs786203451, ClinGen allele CA16620516.

ClinVar aggregate classification (germline): Pathogenic/Likely pathogenic. Review status: criteria provided, multiple submitters, no conflicts (2 of 4 stars). 3 submissions from 3 submitters: Pathogenic (1); Likely pathogenic (2). Last evaluated 2025-08-09.

Conditions:
Fanconi anemia complementation group J. Also called: BRIP1-Related Fanconi Anemia. Identifiers: Orphanet 84, MedGen C1836860, MONDO:0012187, OMIM 609054.
Familial cancer of breast. Also called: Hereditary breast cancer; BREAST CANCER, FAMILIAL; hereditary breast carcinoma. Identifiers: Orphanet 227535, MedGen C0346153, MONDO:0016419, OMIM 114480. Disease mechanism: loss of function.
Hereditary cancer-predisposing syndrome. Also called: Tumor predisposition; Neoplastic Syndromes, Hereditary; Hereditary Cancer Syndrome; Hereditary neoplastic syndrome. Identifiers: Orphanet 140162, MedGen C0027672, MeSH D009386, MONDO:0015356.

Allele frequency attached by ClinVar (database versions not stated): gnomAD exomes below 0.00001.
gnomAD v4.1: 2 of 1,608,878 alleles (0.00012%); highest among the groups gnomAD compares: Non-Finnish European, 0.00017%; no homozygotes.

Submissions (4):

Labcorp Genetics (formerly Invitae), Labcorp
Classification: Likely pathogenic for Familial cancer of breast; Fanconi anemia complementation group J. Last evaluated: 2025-08-09. Review status: criteria provided, single submitter. Criteria: Invitae Variant Classification Sherloc (09022015). Collection method: clinical testing. Allele origin: germline.
Comment: This sequence change affects an acceptor splice site in intron 17 of the BRIP1 gene. RNA analysis indicates that disruption of this splice site induces altered splicing and may result in an absent or altered protein product. This variant is present in population databases (no rsID available, gnomAD 0.0009%). Disruption of this splice site has been observed in individual(s) with ovarian cancer (PMID: 26315354, 30322717). ClinVar contains an entry for this variant (Variation ID: 418096). Studies have shown that disruption of this splice site results in skipping of exon 18, and produces a non-functional protein and/or introduces a premature termination codon (internal data). In summary, the currently available evidence indicates that the variant is pathogenic, but additional data are needed to prove that conclusively. Therefore, this variant has been classified as Likely Pathogenic.

Ambry Genetics
Classification: Likely pathogenic for Hereditary cancer-predisposing syndrome. Last evaluated: 2025-07-14. Review status: criteria provided, single submitter. Criteria: Ambry Variant Classification Scheme 2023. Collection method: clinical testing. Allele origin: germline.
Comment: The c.2493-1G>A intronic variant results from a G to A substitution one nucleotide upstream from coding exon 17 of the BRIP1 gene. This nucleotide position is highly conserved in available vertebrate species. In silico splice site analysis predicts that this alteration will weaken the native splice acceptor site. Alterations that disrupt the canonical splice site are expected to cause aberrant splicing, resulting in an abnormal protein or a transcript that is subject to nonsense-mediated mRNA decay. As such, this alteration is classified as likely pathogenic.

GeneDx
Classification: Pathogenic. Last evaluated: 2022-03-08. Review status: criteria provided, single submitter. Criteria: GeneDx Variant Classification Process June 2021. Collection method: clinical testing. Allele origin: germline. Affected: yes.
Comment: Canonical splice site variant predicted to result in a null allele in a gene for which loss-of-function is a known mechanism of disease; Not observed at significant frequency in large population cohorts (gnomAD); This variant is associated with the following publications: (PMID: 21964575, 16116423, 17033622, 30322717)

Dr. Peter K. Rogan Lab, Western University
No classification provided (evidence only). Condition: Melanoma. Review status: no classification provided. Collection method: in vitro. Allele origin: not applicable. Functional consequence: skipped exon, retained intron. Not counted in ClinVar's aggregate classification.

Literature cited by the submitters: PubMed 26315354 (cited by Labcorp Genetics (formerly Invitae), Labcorp); PubMed 30322717 (cited by Labcorp Genetics (formerly Invitae), Labcorp).